The following is an entry in ClinVar:

ClinVar aggregate classification (germline): Likely pathogenic (1 of 4 stars; one submission).

Conditions:
Primary ciliary dyskinesia. Also called: Ciliary dyskinesia. Identifiers: Orphanet 244, MedGen C0008780, MONDO:0016575, HP:0012265.

Allele frequency attached by ClinVar (database versions not stated): gnomAD 0.00001.
gnomAD v4.1: 18 of 1,614,054 alleles (0.0011%); highest among the groups gnomAD compares: African/African-American, 0.004%; no homozygotes.

Submission:

Labcorp Genetics (formerly Invitae), Labcorp
Classification: Likely pathogenic for Primary ciliary dyskinesia. Last evaluated: 2022-07-12. Review status: criteria provided, single submitter. Criteria: Invitae Variant Classification Sherloc (09022015). Collection method: clinical testing. Allele origin: germline.
Comment: This variant has not been reported in the literature in individuals affected with DNAH5-related conditions. This sequence change affects a donor splice site in intron 19 of the DNAH5 gene. It is expected to disrupt RNA splicing. Variants that disrupt the donor or acceptor splice site typically lead to a loss of protein function (PMID: 16199547), and loss-of-function variants in DNAH5 are known to be pathogenic (PMID: 11788826, 16627867). This variant is not present in population databases (gnomAD no frequency). ClinVar contains an entry for this variant (Variation ID: 1506753). Algorithms developed to predict the effect of sequence changes on RNA splicing suggest that this variant may disrupt the consensus splice site. In summary, the currently available evidence indicates that the variant is pathogenic, but additional data are needed to prove that conclusively. Therefore, this variant has been classified as Likely Pathogenic.

Literature cited by the submitters: PubMed 16199547; PubMed 11788826; PubMed 16627867.

NM_001369.3(DNAH5):c.2983+1G>A

Genes: DNAH5 (dynein axonemal heavy chain 5; minus strand), DNAH5-AS1 (DNAH5 antisense RNA 1; plus strand). Cytogenetic location: 5p15.2.
Variant type: single nucleotide variant.
Coding change: c.2983+1G>A on transcript NM_001369.3 (MANE Select); the canonical splice donor site of the intron after coding-DNA position 2983, G replaced by A.
Molecular consequence: splice donor variant.
Genome position (GRCh38, 1-based): chr5:13,884,988, C>T on the plus strand (G>A on the coding strand, the complement: DNAH5 is on the minus strand). VCF-style: chr5-13884988-C-T. GRCh37 (hg19) VCF-style: chr5-13885097-C-T.
Identifiers: ClinVar variation 1506753 (VCV001506753.8), dbSNP rs1772196982, ClinGen allele CA359195008.
Genomic context (GRCh38, chr5:13,884,988, plus strand): 5'-ACACACATACCCCAGCAACTATGCCTGATCATCCACTAAGCAAACCACACAAGATTATTA[C>T]CCCGGAAGTTAATTGTGTGAGAGGAATGAATACGTTTGCGAATGGCCTCTAGTGTATTCC-3'